The following is an entry in ClinVar:

ClinVar aggregate classification (germline): Uncertain significance (1 of 4 stars; one submission).

Allele frequency attached by ClinVar (database versions not stated): TOPMed below 0.00001.

Submission:

Labcorp Genetics (formerly Invitae), Labcorp
Classification: Uncertain significance. Last evaluated: 2025-06-16. Review status: criteria provided, single submitter. Criteria: Invitae Variant Classification Sherloc (09022015). Collection method: clinical testing. Allele origin: germline.
Comment: This sequence change replaces glycine, which is neutral and non-polar, with arginine, which is basic and polar, at codon 876 of the ABCC6 protein (p.Gly876Arg). This variant is not present in population databases (gnomAD no frequency). This variant has not been reported in the literature in individuals affected with ABCC6-related conditions. ClinVar contains an entry for this variant (Variation ID: 2106086). Invitae Evidence Modeling of protein sequence and biophysical properties (such as structural, functional, and spatial information, amino acid conservation, physicochemical variation, residue mobility, and thermodynamic stability) indicates that this missense variant is not expected to disrupt ABCC6 protein function with a negative predictive value of 95%. In summary, the available evidence is currently insufficient to determine the role of this variant in disease. Therefore, it has been classified as a Variant of Uncertain Significance.

NM_001171.6(ABCC6):c.2626G>C (p.Gly876Arg)

Gene: ABCC6 (ATP binding cassette subfamily C member 6; minus strand). Cytogenetic location: 16p13.11.
Variant type: single nucleotide variant.
Coding change: c.2626G>C on transcript NM_001171.6 (MANE Select); coding-DNA position 2626, G replaced by C.
Protein change: p.Gly876Arg; replaces glycine 876 with arginine.
Molecular consequence: missense variant. On other transcripts: non-coding transcript variant (1).
Genome position (GRCh38, 1-based): chr16:16,175,951, C>G on the plus strand (G>C on the coding strand, the complement: ABCC6 is on the minus strand). VCF-style: chr16-16175951-C-G. GRCh37 (hg19) VCF-style: chr16-16269808-C-G.
Other names: c.2284G>C, p.Gly762Arg (NM_001351800.1); short protein forms G762R, G876R.
Identifiers: ClinVar variation 2106086 (VCV002106086.4), dbSNP rs2047265152, ClinGen allele CA394887013.